The following is an entry in ClinVar:

ClinVar aggregate classification (germline): Uncertain significance. Review status: criteria provided, multiple submitters, no conflicts (2 of 4 stars). 2 submissions from 2 submitters: Uncertain significance (2). Last evaluated 2024-11-21.

Conditions:
Dextro-looped transposition of the great arteries. Also called: Dextrotransposition of the great arteries. Identifiers: Orphanet 860, MedGen C3531771, MONDO:0019443, OMIM 608808, HP:0031348.

gnomAD v4.1: 4 of 1,613,994 alleles (0.00025%); highest among the groups gnomAD compares: Admixed American, 0.0067%; no homozygotes.

Submissions (2):

Labcorp Genetics (formerly Invitae), Labcorp
Classification: Uncertain significance for Dextro-looped transposition of the great arteries. Last evaluated: 2024-11-21. Review status: criteria provided, single submitter. Criteria: Invitae Variant Classification Sherloc (09022015). Collection method: clinical testing. Allele origin: germline.
Comment: This sequence change replaces arginine, which is basic and polar, with leucine, which is neutral and non-polar, at codon 1933 of the MED13L protein (p.Arg1933Leu). This variant is present in population databases (rs778173015, gnomAD 0.01%). This variant has not been reported in the literature in individuals affected with MED13L-related conditions. ClinVar contains an entry for this variant (Variation ID: 1712855). Invitae Evidence Modeling of protein sequence and biophysical properties (such as structural, functional, and spatial information, amino acid conservation, physicochemical variation, residue mobility, and thermodynamic stability) indicates that this missense variant is not expected to disrupt MED13L protein function with a negative predictive value of 80%. In summary, the available evidence is currently insufficient to determine the role of this variant in disease. Therefore, it has been classified as a Variant of Uncertain Significance.

GeneDx
Classification: Uncertain significance. Last evaluated: 2022-04-27. Review status: criteria provided, single submitter. Criteria: GeneDx Variant Classification Process June 2021. Collection method: clinical testing. Allele origin: germline. Affected: yes.
Comment: In silico analysis supports that this missense variant has a deleterious effect on protein structure/function; Has not been previously published as pathogenic or benign to our knowledge

NM_015335.5(MED13L):c.5798G>T (p.Arg1933Leu)

Gene: MED13L (mediator complex subunit 13L; minus strand). Cytogenetic location: 12q24.21.
Variant type: single nucleotide variant.
Coding change: c.5798G>T on transcript NM_015335.5 (MANE Select); coding-DNA position 5798, G replaced by T.
Protein change: p.Arg1933Leu; replaces arginine 1933 with leucine.
Molecular consequence: missense variant.
Genome position (GRCh38, 1-based): chr12:115,972,170, C>A on the plus strand (G>T on the coding strand, the complement: MED13L is on the minus strand). VCF-style: chr12-115972170-C-A. GRCh37 (hg19) VCF-style: chr12-116409975-C-A.
Other names: short protein forms R1933L.
Identifiers: ClinVar variation 1712855 (VCV001712855.5), dbSNP rs778173015, ClinGen allele CA6810508.